The following continues an entry in ClinVar:

NM_000179.3(MSH6):c.2150_2153del (p.Val717fs)

Gene: MSH6. ClinVar aggregate classification (germline): Pathogenic. Pathogenic (1).

Submissions 21 to 27 of 27:

Laboratory for Molecular Medicine, Mass General Brigham Personalized Medicine
Classification: Pathogenic for Lynch syndrome. Last evaluated: 2019-10-14. Review status: criteria provided, single submitter. Criteria: ACMG Guidelines, 2015. Collection method: clinical testing. Allele origin: germline. Not counted in ClinVar's aggregate classification.
Comment: The p.Val717AlafsX18 variant in MSH6 has been reported in 1 individual with endometrial cancer, 2 individuals with ovarian cancer, 3 individuals with colorectal cancer and 1 individual with Lynch syndrome (Walsh 2011, Baglietto 2010, Nilbert 2009, Pal 2012, Pagin 2013, Kolodner 1999, Hirasawa 2017). It has also been identified in 1/30612 of South Asian and in 1/34584 of Latino chromosomes by gnomAD. This variant was classified as Pathogenic on September 5, 2013 by the ClinGen-approved InSiGHT expert panel (Variation ID 89256). This variant is predicted to cause a frameshift, which alters the protein’s amino acid sequence beginning at position 717 and leads to a premature termination codon 18 amino acids downstream. This alteration is then predicted to lead to a truncated or absent protein. Loss of function of the MSH6 gene is an established disease mechanism in autosomal dominant Lynch syndrome. In summary, the p.Val717AlafsX18 variant meets criteria to be classified as pathogenic for Lynch syndrome. ACMG/AMP criteria applied: PVS1, PM2, PS4_Moderate.

Women's Health and Genetics/Laboratory Corporation of America, LabCorp
Classification: Pathogenic for Hereditary nonpolyposis colon cancer. Last evaluated: 2017-08-02. Review status: criteria provided, single submitter. Criteria: LabCorp Variant Classification Summary - May 2015. Collection method: clinical testing. Allele origin: germline. Not counted in ClinVar's aggregate classification.
Comment: Variant summary: The MSH6 c.2150_2153delTCAG (p.Val717Alafs) variant results in a premature termination codon, predicted to cause a truncated or absent MSH6 protein due to nonsense mediated decay, which are commonly known mechanisms for disease. This variant was found in 1/121546 control chromosomes at a frequency of 0.0000082, which does not exceed the estimated maximal expected allele frequency of a pathogenic MSH6 variant (0.0001421). However, ExAC indicates that the location is a low-quality site, therefore, this observation needs to be cautiously considered. Multiple publications cite the variant in affected individuals including one family (Talseth-Palmer_2010). In addition, multiple clinical diagnostic laboratories/reputable databases classified this variant as pathogenic. Taken together, this variant is classified as pathogenic.

University of Washington Department of Laboratory Medicine, University of Washington
Classification: Pathogenic for Hereditary nonpolyposis colon cancer. Last evaluated: 2015-11-20. Review status: criteria provided, single submitter. Criteria: Shirts et al. (Genet Med 2016). Collection method: clinical testing. Allele origin: germline. Affected: no and yes. Observed: 2 variant alleles. Not counted in ClinVar's aggregate classification.

Department of Pathology and Laboratory Medicine, Sinai Health System
Classification: Pathogenic for Mismatch repair cancer syndrome 3. Last evaluated: 2013-05-22. Review status: criteria provided, single submitter. Criteria: ACMG Guidelines, 2015. Collection method: clinical testing. Allele origin: germline. Affected: yes. Not counted in ClinVar's aggregate classification.

Counsyl
Classification: Pathogenic for Lynch syndrome 5. Last evaluated: 2015-11-21. Review status: no assertion criteria provided. Collection method: clinical testing. Allele origin: unknown. Not counted in ClinVar's aggregate classification.

Department of Pathology and Laboratory Medicine, Sinai Health System
Classification: Pathogenic for Carcinoma of colon. Review status: no assertion criteria provided. Collection method: clinical testing. Allele origin: unknown. Affected: yes. Observed: 1 variant allele. Study: The Canadian Open Genetics Repository (COGR). Not counted in ClinVar's aggregate classification.
Comment: The p.Val717AlafsX18 deletion variant has been previously reported in the literature in 4 of 5340 proband chromosomes in individuals with either Lynch syndrome, colorectal cancer, endometriod or ovarian cancer, and it was absent from 378 control chromosomes (Kolodner 1999, Walsh 2011, Pal 2012, Nilbert 2008). The p.Val717AlafsX18 variant is predicted to cause a frameshift, which alters the protein's amino acid sequence beginning at codon 717 and leads to a premature stop codon 18 codons downstream. This alteration is then predicted to result in a truncated or absent protein and loss of function. Loss of function variants of the MSH6 gene are an established mechanism of disease for Lynch syndrome. In summary, based on the above information, this variant meets our criteria to be classified as pathogenic.

Mayo Clinic Laboratories, Mayo Clinic
Classification: Pathogenic. Review status: no assertion criteria provided. Collection method: research. Allele origin: unknown. Observed: 1 variant allele. Not counted in ClinVar's aggregate classification.

Literature cited by the submitters: PubMed 18269114 (cited by Labcorp Genetics (formerly Invitae), Labcorp and Variantyx, Inc.); PubMed 24362816 (cited by Labcorp Genetics (formerly Invitae), Labcorp and Sema4); PubMed 10537275 (cited by 11 submitters); PubMed 18566915 (cited by 11 submitters); PubMed 20028993 (cited by 8 submitters); PubMed 22006311 (cited by 12 submitters); PubMed 23047549 (cited by 11 submitters); PubMed 23652311 (cited by 7 submitters); PubMed 20487569 (cited by 5 submitters); PubMed 22081473 (cited by Ambry Genetics); PubMed 26845104 (cited by Ambry Genetics and Quest Diagnostics Nichols Institute San Juan Capistrano); PubMed 28514183 (cited by Ambry Genetics and Center for Genomic Medicine, Rigshospitalet, Copenhagen University Hospital); PubMed 29345684 (cited by Ambry Genetics and Quest Diagnostics Nichols Institute San Juan Capistrano); PubMed 29717530 (cited by Ambry Genetics); PubMed 30322717 (cited by Ambry Genetics and Quest Diagnostics Nichols Institute San Juan Capistrano); PubMed 31054147 (cited by 3 submitters); PubMed 32719484 (cited by Ambry Genetics); PubMed 33471991 (cited by Ambry Genetics and Quest Diagnostics Nichols Institute San Juan Capistrano); PubMed 20301390 (cited by 3 submitters); PubMed 24728189 (cited by Quest Diagnostics Nichols Institute San Juan Capistrano); PubMed 28944238 (cited by 3 submitters); PubMed 29348823 (cited by 3 submitters); PubMed 28724667 (cited by Laboratory for Molecular Medicine, Mass General Brigham Personalized Medicine).